The following is an entry in ClinVar:

NM_001101362.3(KBTBD13):c.*1556G>A

Gene: KBTBD13 (kelch repeat and BTB domain containing 13; plus strand). Cytogenetic location: 15q22.31.
Variant type: single nucleotide variant.
Coding change: c.*1556G>A on transcript NM_001101362.3 (MANE Select); 1556 bases downstream of the stop codon, G replaced by A.
Molecular consequence: 3 prime UTR variant.
Genome position (GRCh38, 1-based): chr15:65,079,748, G>A. VCF-style: chr15-65079748-G-A. GRCh37 (hg19) VCF-style: chr15-65372086-G-A.
Identifiers: ClinVar variation 316775 (VCV000316775.6), dbSNP rs148606250, ClinGen allele CA10646466.

ClinVar aggregate classification (germline): Benign. Review status: criteria provided, multiple submitters, no conflicts (2 of 4 stars). 2 submissions from 2 submitters: Benign (2). Last evaluated 2018-01-12.

Conditions:
Nemaline myopathy 6 (NEM6). Also called: Nemaline myopathy 6, autosomal dominant. Identifiers: Orphanet 171439, MedGen C1836472, MONDO:0012237, OMIM 609273.

Allele frequency attached by ClinVar (database versions not stated): gnomAD 0.00226; TOPMed 0.00304; 1000 Genomes Project 30x 0.00328; 1000 Genomes Project 0.00339.
gnomAD v4.1: 509 of 152,306 alleles (0.33%); highest among the groups gnomAD compares: Middle Eastern, 1%; 4 homozygotes.

Submissions (2):

Illumina Laboratory Services, Illumina
Classification: Benign for Nemaline myopathy 6. Last evaluated: 2018-01-12. Review status: criteria provided, single submitter. Criteria: ICSL Variant Classification Criteria 13 December 2019. Collection method: clinical testing. Allele origin: germline.
Comment: This variant was observed in the ICSL laboratory as part of a predisposition screen in an ostensibly healthy population. It had not been previously curated by ICSL or reported in the Human Gene Mutation Database (HGMD: prior to June 1st, 2018), and was therefore a candidate for classification through an automated scoring system. Utilizing variant allele frequency, disease prevalence and penetrance estimates, and inheritance mode, an automated score was calculated to assess if this variant is too frequent to cause the disease. Based on the score and internal cut-off values, a variant classified as benign is not then subjected to further curation. The score for this variant resulted in a classification of benign for this disease.

Breakthrough Genomics
Classification: Benign. Review status: criteria provided, single submitter. Criteria: ACMG Guidelines, 2015. Collection method: not provided. Allele origin: germline. Inheritance: Autosomal dominant inheritance. Affected: yes.